The following is an entry in ClinVar:

NM_005228.5(EGFR):c.1225G>T (p.Ala409Ser)

Gene: EGFR (epidermal growth factor receptor; plus strand). Cytogenetic location: 7p11.2.
Variant type: single nucleotide variant.
Coding change: c.1225G>T on transcript NM_005228.5 (MANE Select); coding-DNA position 1225, G replaced by T.
Protein change: p.Ala409Ser; replaces alanine 409 with serine.
Molecular consequence: missense variant.
Genome position (GRCh38, 1-based): chr7:55,157,680, G>T. VCF-style: chr7-55157680-G-T. GRCh37 (hg19) VCF-style: chr7-55225373-G-T.
Other names: c.1090G>T, p.Ala364Ser (NM_001346897.2, NM_001346899.2); c.1225G>T, p.Ala409Ser (NM_001346898.2, NM_201282.2, NM_201284.2); c.1066G>T, p.Ala356Ser (NM_001346900.2); c.424G>T, p.Ala142Ser (NM_001346941.2); short protein forms A142S, A356S, A364S, A409S.
Identifiers: ClinVar variation 2633369 (VCV002633369.2), dbSNP rs2128939622, ClinGen allele CA367579126.

ClinVar aggregate classification (germline): Conflicting classifications of pathogenicity. Review status: criteria provided, conflicting classifications (1 of 4 stars). 2 submissions from 2 submitters: Uncertain significance (1); Likely benign (1). Last evaluated 2025-10-02.

Conditions:
EGFR-related disorder. Also called: EGFR-related condition.
Hereditary cancer-predisposing syndrome. Also called: Tumor predisposition; Neoplastic Syndromes, Hereditary; Hereditary neoplastic syndrome; Hereditary Cancer Syndrome. Identifiers: Orphanet 140162, MedGen C0027672, MeSH D009386, MONDO:0015356.

gnomAD v4.1: 1 of 1,614,200 alleles (0.000062%); highest among the groups gnomAD compares: Non-Finnish European, 0.000085%; no homozygotes.

Submissions (2):

Ambry Genetics
Classification: Likely benign for Hereditary cancer-predisposing syndrome. Last evaluated: 2025-10-02. Review status: criteria provided, single submitter. Criteria: Ambry Variant Classification Scheme 2023. Collection method: clinical testing. Allele origin: germline.

PreventionGenetics, part of Exact Sciences
Classification: Uncertain significance for EGFR-related condition. Last evaluated: 2023-05-04. Review status: criteria provided, single submitter. Criteria: ACMG Guidelines, 2015. Collection method: clinical testing. Allele origin: germline.
Comment: The EGFR c.1225G>T variant is predicted to result in the amino acid substitution p.Ala409Ser. To our knowledge, this variant has not been reported in the literature or in a large population database, indicating this variant is rare. At this time, the clinical significance of this variant is uncertain due to the absence of conclusive functional and genetic evidence.